The following is an entry in ClinVar:

ClinVar aggregate classification (germline): Pathogenic. Review status: criteria provided, multiple submitters, no conflicts (2 of 4 stars). 4 submissions from 4 submitters: Pathogenic (2). 2 of the submissions do not count toward it. Last evaluated 2025-07-21.

Conditions:
Houge-Janssens syndrome 1. Also called: INTELLECTUAL DEVELOPMENTAL DISORDER, AUTOSOMAL DOMINANT 35; Intellectual disability-macrocephaly-hypotonia-behavioral abnormalities syndrome; PPP2R5D-Related Neurodevelopmental Disorder; Hogue-Janssens syndrome 1. Identifiers: Orphanet 457279, MedGen C5779996, MONDO:0014602, OMIM 616355.

Submissions (4):

Labcorp Genetics (formerly Invitae), Labcorp
Classification: Pathogenic. Last evaluated: 2025-07-21. Review status: criteria provided, single submitter. Criteria: Invitae Variant Classification Sherloc (09022015). Collection method: clinical testing. Allele origin: germline.
Comment: This sequence change replaces proline, which is neutral and non-polar, with arginine, which is basic and polar, at codon 201 of the PPP2R5D protein (p.Pro201Arg). This variant is not present in population databases (gnomAD no frequency). This missense change has been observed in individual(s) with clinical features of PPP2R5D-related conditions (PMID: 26168268). In at least one individual the variant was observed to be de novo. ClinVar contains an entry for this variant (Variation ID: 190287). An algorithm developed to predict the effect of missense changes on protein structure and function (PolyPhen-2) suggests that this variant is likely to be disruptive. Experimental studies have shown that this missense change affects PPP2R5D function (PMID: 26168268). For these reasons, this variant has been classified as Pathogenic.

GeneDx
Classification: Pathogenic. Last evaluated: 2023-01-19. Review status: criteria provided, single submitter. Criteria: GeneDx Variant Classification Process June 2021. Collection method: clinical testing. Allele origin: germline. Affected: yes.
Comment: Published functional studies demonstrate that this variant results in disruption of enzyme formation (Houge et al., 2015); Not observed at significant frequency in large population cohorts (gnomAD); In silico analysis supports that this missense variant has a deleterious effect on protein structure/function; This variant is associated with the following publications: (PMID: 25533962, 25972378, 26168268, 28867141, 28135719, 28191890, 31785789, 34448180, 34228795, 33628804, 36216457, 36358993, 34241636)

OMIM
Classification: Pathogenic for HOUGE-JANSSENS SYNDROME 1. Last evaluated: 2015-08-03. Review status: no assertion criteria provided. Collection method: literature only. Allele origin: germline. Not counted in ClinVar's aggregate classification.

GeneReviews
No classification provided. Condition: Houge-Janssens syndrome 1. Review status: no classification provided. Collection method: literature only. Allele origin: de novo. Not counted in ClinVar's aggregate classification.

Literature cited by the submitters: PubMed 26168268 (cited by Labcorp Genetics (formerly Invitae), Labcorp and OMIM); PubMed 25533962 (cited by OMIM); NCBI Bookshelf NBK536360 (cited by GeneReviews); PubMed 30676711 (cited by GeneReviews).

NM_006245.4(PPP2R5D):c.602C>G (p.Pro201Arg)

Gene: PPP2R5D (protein phosphatase 2 regulatory subunit B'delta; plus strand). Cytogenetic location: 6p21.1.
Variant type: single nucleotide variant.
Coding change: c.602C>G on transcript NM_006245.4 (MANE Select); coding-DNA position 602, C replaced by G.
Protein change: p.Pro201Arg; replaces proline 201 with arginine.
Molecular consequence: missense variant.
Genome position (GRCh38, 1-based): chr6:43,007,275, C>G. VCF-style: chr6-43007275-C-G. GRCh37 (hg19) VCF-style: chr6-42975013-C-G.
Other names: c.149C>G, p.Pro50Arg (NM_001270476.2); c.506C>G, p.Pro169Arg (NM_180976.3); c.284C>G, p.Pro95Arg (NM_180977.3); short protein forms P201R, P50R, P95R, P169R.
Identifiers: ClinVar variation 190287 (VCV000190287.51), dbSNP rs876657383, ClinGen allele CA10575693.